The following is an entry in ClinVar:

NM_022463.5(NXN):c.361-37964C>T

Gene: NXN (nucleoredoxin; minus strand). Cytogenetic location: 17p13.3.
Variant type: single nucleotide variant.
Coding change: c.361-37964C>T on transcript NM_022463.5 (MANE Select); 37964 bases into the intron before coding-DNA position 361, C replaced by T.
Molecular consequence: intron variant. On other transcripts: synonymous variant (1).
Genome position (GRCh38, 1-based): chr17:864,042, G>A on the plus strand (C>T on the coding strand, the complement: NXN is on the minus strand). VCF-style: chr17-864042-G-A. GRCh37 (hg19) VCF-style: chr17-767282-G-A.
Other names: c.9C>T, p.Asp3= (NM_001205319.1).
Identifiers: ClinVar variation 3026102 (VCV003026102.22), dbSNP rs920757983, ClinGen allele CA286706508.

ClinVar aggregate classification (germline): Likely benign (1 of 4 stars; one submission).

Allele frequency attached by ClinVar (database versions not stated): gnomAD 0.00003; gnomAD exomes 0.00003.
gnomAD v4.1: 40 of 1,507,802 alleles (0.0027%); highest among the groups gnomAD compares: Admixed American, 0.01%; no homozygotes.

Submission:

CeGaT Center for Human Genetics Tuebingen
Classification: Likely benign. Last evaluated: 2024-02-01. Review status: criteria provided, single submitter. Criteria: CeGaT Center For Human Genetics Tuebingen Variant Classification Criteria Version 2. Collection method: clinical testing. Allele origin: germline. Affected: yes. Observed: 1 variant allele.
Comment: NXN: BP4, BP7